The following is an entry in ClinVar:

ClinVar aggregate classification (germline): Uncertain significance (1 of 4 stars; one submission).

gnomAD v4.1: 2 of 1,614,050 alleles (0.00012%); highest among the groups gnomAD compares: Admixed American, 0.0033%; no homozygotes.

Submission:

Labcorp Genetics (formerly Invitae), Labcorp
Classification: Uncertain significance. Last evaluated: 2021-12-24. Review status: criteria provided, single submitter. Criteria: Invitae Variant Classification Sherloc (09022015). Collection method: clinical testing. Allele origin: germline.
Comment: In summary, the available evidence is currently insufficient to determine the role of this variant in disease. Therefore, it has been classified as a Variant of Uncertain Significance. Algorithms developed to predict the effect of sequence changes on RNA splicing suggest that this variant may create or strengthen a splice site. Algorithms developed to predict the effect of missense changes on protein structure and function (SIFT, PolyPhen-2, Align-GVGD) all suggest that this variant is likely to be tolerated. This variant has not been reported in the literature in individuals affected with TRPV3-related conditions. This variant is present in population databases (no rsID available, gnomAD 0.003%). This sequence change replaces methionine, which is neutral and non-polar, with leucine, which is neutral and non-polar, at codon 717 of the TRPV3 protein (p.Met717Leu).

NM_145068.4(TRPV3):c.2149A>T (p.Met717Leu)

Gene: TRPV3 (transient receptor potential cation channel subfamily V member 3; minus strand). Cytogenetic location: 17p13.2.
Variant type: single nucleotide variant.
Coding change: c.2149A>T on transcript NM_145068.4 (MANE Select); coding-DNA position 2149, A replaced by T.
Protein change: p.Met717Leu; replaces methionine 717 with leucine.
Molecular consequence: missense variant.
Genome position (GRCh38, 1-based): chr17:3,516,506, T>A on the plus strand (A>T on the coding strand, the complement: TRPV3 is on the minus strand). VCF-style: chr17-3516506-T-A. GRCh37 (hg19) VCF-style: chr17-3419800-T-A.
Other names: c.2149A>T, p.Met717Leu (NM_001258205.2); short protein forms M717L.
Identifiers: ClinVar variation 2081413 (VCV002081413.4), dbSNP rs781688821, ClinGen allele CA397680241.